The following is an entry in ClinVar:

NM_024652.6(LRRK1):c.1902A>G (p.Glu634=)

Gene: LRRK1 (leucine rich repeat kinase 1; plus strand). Cytogenetic location: 15q26.3.
Variant type: single nucleotide variant.
Coding change: c.1902A>G on transcript NM_024652.6 (MANE Select); coding-DNA position 1902, A replaced by G.
Protein change: p.Glu634=; no amino-acid change (glutamic acid 634 retained).
Molecular consequence: synonymous variant.
Genome position (GRCh38, 1-based): chr15:101,022,432, A>G. VCF-style: chr15-101022432-A-G. GRCh37 (hg19) VCF-style: chr15-101562637-A-G.
Other names: c.1902A>G (NM_024652.5).
Identifiers: ClinVar variation 1639360 (VCV001639360.34), dbSNP rs74990541, ClinGen allele CA7761069.

ClinVar aggregate classification (germline): Benign/Likely benign. Review status: criteria provided, multiple submitters, no conflicts (2 of 4 stars). 4 submissions from 4 submitters: Benign (2); Likely benign (1). 1 of the submissions does not count toward it. Last evaluated 2026-04-01.

Conditions:
LRRK1-related disorder. Also called: LRRK1-related condition.

Allele frequency attached by ClinVar (database versions not stated): gnomAD exomes 0.00024 and 0.00053; ExAC 0.00055; 1000 Genomes Project 0.00160; 1000 Genomes Project 30x 0.00172; gnomAD 0.00173 and 0.00187; TOPMed 0.00213; ESP Exome Variant Server 0.00252.
gnomAD v4.1: 640 of 1,614,224 alleles (0.04%); highest among the groups gnomAD compares: African/African-American, 0.62%; 5 homozygotes.

Submissions (4):

CeGaT Center for Human Genetics Tuebingen
Classification: Likely benign. Last evaluated: 2026-04-01. Review status: criteria provided, single submitter. Criteria: CeGaT Center For Human Genetics Tuebingen Variant Classification Criteria Version 2. Collection method: clinical testing. Allele origin: germline. Affected: yes. Observed: 2 variant alleles.
Comment: LRRK1: BP4, BS2

Labcorp Genetics (formerly Invitae), Labcorp
Classification: Benign. Last evaluated: 2026-01-18. Review status: criteria provided, single submitter. Criteria: Invitae Variant Classification Sherloc (09022015). Collection method: clinical testing. Allele origin: germline.

Breakthrough Genomics
Classification: Benign. Review status: criteria provided, single submitter. Criteria: ACMG Guidelines, 2015. Collection method: not provided. Allele origin: germline. Inheritance: Autosomal recessive inheritance. Affected: yes.

PreventionGenetics, part of Exact Sciences
Classification: Likely benign for LRRK1-related condition. Last evaluated: 2019-06-27. Review status: no assertion criteria provided. Collection method: clinical testing. Allele origin: germline. Not counted in ClinVar's aggregate classification.
Comment: This variant is classified as likely benign based on ACMG/AMP sequence variant interpretation guidelines (Richards et al. 2015 PMID: 25741868, with internal and published modifications).